The following is an entry in ClinVar:

NM_014243.3(ADAMTS3):c.293A>G (p.Asn98Ser)

Gene: ADAMTS3 (ADAM metallopeptidase with thrombospondin type 1 motif 3; minus strand). Cytogenetic location: 4q13.3.
Variant type: single nucleotide variant.
Coding change: c.293A>G on transcript NM_014243.3 (MANE Select); coding-DNA position 293, A replaced by G.
Protein change: p.Asn98Ser; replaces asparagine 98 with serine.
Molecular consequence: missense variant.
Genome position (GRCh38, 1-based): chr4:72,548,689, T>C on the plus strand (A>G on the coding strand, the complement: ADAMTS3 is on the minus strand). VCF-style: chr4-72548689-T-C. GRCh37 (hg19) VCF-style: chr4-73414406-T-C.
Other names: short protein forms N98S.
Identifiers: ClinVar variation 2345542 (VCV002345542.3), dbSNP rs147882384, ClinGen allele CA2957283.

ClinVar aggregate classification (germline): Conflicting classifications of pathogenicity. Review status: criteria provided, conflicting classifications (1 of 4 stars). 2 submissions from 2 submitters: Uncertain significance (1); Likely benign (1). Last evaluated 2025-12-26.

Conditions:
ADAMTS3-related disorder. Also called: ADAMTS3-related condition.
Inborn genetic diseases. Identifiers: MedGen C0950123, MeSH D030342.

Allele frequency attached by ClinVar (database versions not stated): gnomAD exomes 0.00009; gnomAD 0.00010; TOPMed 0.00011; ExAC 0.00015; ESP Exome Variant Server 0.00015.
gnomAD v4.1: 159 of 1,613,888 alleles (0.0099%); highest among the groups gnomAD compares: Admixed American, 0.0017%; 1 homozygote.

Submissions (2):

PreventionGenetics, part of Exact Sciences
Classification: Likely benign for ADAMTS3-related condition. Last evaluated: 2025-12-26. Review status: criteria provided, single submitter. Criteria: ACMG Guidelines, 2015. Collection method: clinical testing. Allele origin: germline.
Comment: This variant is classified as likely benign based on ACMG/AMP sequence variant interpretation guidelines (Richards et al. 2015 PMID: 25741868, with internal and published modifications).

Ambry Genetics
Classification: Uncertain significance for Inborn genetic diseases. Last evaluated: 2022-12-21. Review status: criteria provided, single submitter. Criteria: Ambry Variant Classification Scheme 2023. Collection method: clinical testing. Allele origin: germline.